The following is an entry in ClinVar:

NM_001792.5(CDH2):c.1495C>A (p.Pro499Thr)

Gene: CDH2 (cadherin 2; minus strand). Cytogenetic location: 18q12.1.
Variant type: single nucleotide variant.
Coding change: c.1495C>A on transcript NM_001792.5 (MANE Select); coding-DNA position 1495, C replaced by A.
Protein change: p.Pro499Thr; replaces proline 499 with threonine.
Molecular consequence: missense variant.
Genome position (GRCh38, 1-based): chr18:27,990,200, G>T on the plus strand (C>A on the coding strand, the complement: CDH2 is on the minus strand). VCF-style: chr18-27990200-G-T. GRCh37 (hg19) VCF-style: chr18-25570164-G-T.
Other names: c.1495C>A (NM_001792.3); c.1402C>A, p.Pro468Thr (NM_001308176.2); short protein forms P499T, P468T.
Identifiers: ClinVar variation 4763590 (VCV004763590.2).

ClinVar aggregate classification (germline): Uncertain significance. Review status: criteria provided, multiple submitters, no conflicts (2 of 4 stars). 2 submissions from 2 submitters: Uncertain significance (2). Last evaluated 2026-04-08.

Conditions:
Inborn genetic diseases. Identifiers: MedGen C0950123, MeSH D030342.

Submissions (2):

Ambry Genetics
Classification: Uncertain significance for Inborn genetic diseases. Last evaluated: 2026-04-08. Review status: criteria provided, single submitter. Criteria: Ambry Variant Classification Scheme 2023. Collection method: clinical testing. Allele origin: germline.

Labcorp Genetics (formerly Invitae), Labcorp
Classification: Uncertain significance. Last evaluated: 2025-09-30. Review status: criteria provided, single submitter. Criteria: Invitae Variant Classification Sherloc (09022015). Collection method: clinical testing. Allele origin: germline.
Comment: This sequence change replaces proline, which is neutral and non-polar, with threonine, which is neutral and polar, at codon 499 of the CDH2 protein (p.Pro499Thr). This variant is not present in population databases (gnomAD no frequency). This variant has not been reported in the literature in individuals affected with CDH2-related conditions. An algorithm developed to predict the effect of missense changes on protein structure and function (PolyPhen-2) suggests that this variant is likely to be disruptive. In summary, the available evidence is currently insufficient to determine the role of this variant in disease. Therefore, it has been classified as a Variant of Uncertain Significance.